The following is an entry in ClinVar:

ClinVar aggregate classification (germline): Uncertain significance (1 of 4 stars; one submission).

Conditions:
Familial hypocalciuric hypercalcemia 1. Also called: Hypercalcemia, familial benign type 1. Identifiers: Orphanet 405, Orphanet 93372, MedGen C0342637, MONDO:0007791, OMIM 145980.

Submission:

Victorian Clinical Genetics Services, Murdoch Childrens Research Institute
Classification: Uncertain significance for Familial hypocalciuric hypercalcemia 1. Last evaluated: 2024-12-30. Review status: criteria provided, single submitter. Criteria: ACMG Guidelines, 2015. Collection method: clinical testing. Allele origin: germline. Affected: yes.
Comment: This variant is classified as VUS-3A. Evidence in support of pathogenic classification: Variant is absent from gnomAD (v2, v3 and v4); Other missense variants comparable to the one identified in this case have limited previous evidence for pathogenicity. An alternate change to glycine has been reported in two families with familial hypocalciuric hypercalcaemia, and segregated with disease (PMIDs: 34556169, 8636323). In addition, changes to histidine and asparagine have been classified as likely pathogenic and as a VUS, respectively, in ClinVar; Missense variant consistently predicted to be damaging by in silico tool or highly conserved with a major amino acid change. Additional information: Variant is predicted to result in a missense amino acid change from aspartic acid to glutamic acid; This variant is heterozygous; This gene is associated with both recessive and dominant disease (OMIM); This variant has no previous evidence of pathogenicity; No published segregation evidence has been identified for this variant; No published functional evidence has been identified for this variant; Variant is located in the annotated ANF receptor domain (DECIPHER); Dominant negative and loss of function are known mechanisms of disease in this gene and are associated with hypocalciuric hypercalcaemia (MIM#145980) and neonatal hyperparathyroidism (MIM#239200), whereas gain-of-function is associated with hypocalcaemia, with or without Bartter syndrome (MIM#601198) (PMIDs: 22422767, 26646938); Variants in this gene are known to have variable expressivity. Intra-familial variability has been reported (PMID: 11807402); Inheritance information for this variant is not currently available in this individual.

Literature cited by the submitters: PubMed 34556169; PubMed 22422767; PubMed 11807402; PubMed 8636323; PubMed 26646938.

NM_000388.4(CASR):c.645T>G (p.Asp215Glu)

Gene: CASR (calcium sensing receptor; plus strand). Cytogenetic location: 3q21.1.
Variant type: single nucleotide variant.
Coding change: c.645T>G on transcript NM_000388.4 (MANE Select); coding-DNA position 645, T replaced by G.
Protein change: p.Asp215Glu; replaces aspartic acid 215 with glutamic acid.
Molecular consequence: missense variant.
Genome position (GRCh38, 1-based): chr3:122,261,680, T>G. VCF-style: chr3-122261680-T-G. GRCh37 (hg19) VCF-style: chr3-121980527-T-G.
Other names: c.645T>G, p.Asp215Glu (NM_001178065.2); short protein forms D215E.
Identifiers: ClinVar variation 4531873 (VCV004531873.1).
Genomic context (GRCh38, chr3:122,261,680, plus strand): 5'-TGCCATGGCAGACATCATCGAGTATTTCCGCTGGAACTGGGTGGGCACAATTGCAGCTGA[T>G]GACGACTATGGGCGGCCGGGGATTGAGAAATTCCGAGAGGAAGCTGAGGAAAGGGATATC-3'
Protein context (NP_000379.3, residues 205-225): RWNWVGTIAA[Asp215Glu]DDYGRPGIEK